The following is an entry in ClinVar:

NM_015178.3(RHOBTB2):c.1012T>C (p.Phe338Leu)

Gene: RHOBTB2 (Rho related BTB domain containing 2; plus strand). Cytogenetic location: 8p21.3.
Variant type: single nucleotide variant.
Coding change: c.1012T>C on transcript NM_015178.3 (MANE Select); coding-DNA position 1012, T replaced by C.
Protein change: p.Phe338Leu; replaces phenylalanine 338 with leucine.
Molecular consequence: missense variant.
Genome position (GRCh38, 1-based): chr8:23,007,257, T>C. VCF-style: chr8-23007257-T-C. GRCh37 (hg19) VCF-style: chr8-22864770-T-C.
Other names: c.1078T>C, p.Phe360Leu (NM_001160036.2); c.1033T>C, p.Phe345Leu (NM_001160037.2); c.1012T>C, p.Phe338Leu (NM_001374791.1); short protein forms F345L, F338L, F360L.
Identifiers: ClinVar variation 1393604 (VCV001393604.6), dbSNP rs2128804738, ClinGen allele CA370567131.
Genomic context (GRCh38, chr8:23,007,257, plus strand): 5'-GACCACCAGGGCCACTCTGATCAACACCACCACCATCACCACCACCACCATGGGCGAGAC[T>C]TCCTGCTCCGAGCAGCCAGCTTTGACGTGTGCGAGAGCGTGGATGAGGCTGGGGGCTCCG-3'
Protein context (NP_055993.2, residues 328-348): HHHHHHHGRD[Phe338Leu]LLRAASFDVC

ClinVar aggregate classification (germline): Uncertain significance (1 of 4 stars; one submission).

Submission:

Labcorp Genetics (formerly Invitae), Labcorp
Classification: Uncertain significance. Last evaluated: 2021-11-16. Review status: criteria provided, single submitter. Criteria: Invitae Variant Classification Sherloc (09022015). Collection method: clinical testing. Allele origin: germline.
Comment: This variant has not been reported in the literature in individuals affected with RHOBTB2-related conditions. In summary, the available evidence is currently insufficient to determine the role of this variant in disease. Therefore, it has been classified as a Variant of Uncertain Significance. Algorithms developed to predict the effect of missense changes on protein structure and function (SIFT, PolyPhen-2, Align-GVGD) all suggest that this variant is likely to be tolerated. This variant is not present in population databases (gnomAD no frequency). This sequence change replaces phenylalanine, which is neutral and non-polar, with leucine, which is neutral and non-polar, at codon 360 of the RHOBTB2 protein (p.Phe360Leu).